The following is an entry in ClinVar:

NM_006306.4(SMC1A):c.185G>A (p.Arg62Gln)

Gene: SMC1A (structural maintenance of chromosomes 1A; minus strand). Cytogenetic location: Xp11.22.
Variant type: single nucleotide variant.
Coding change: c.185G>A on transcript NM_006306.4 (MANE Select); coding-DNA position 185, G replaced by A.
Protein change: p.Arg62Gln; replaces arginine 62 with glutamine.
Molecular consequence: missense variant.
Genome position (GRCh38, 1-based): chrX:53,415,094, C>T on the plus strand (G>A on the coding strand, the complement: SMC1A is on the minus strand). VCF-style: chrX-53415094-C-T. GRCh37 (hg19) VCF-style: chrX-53442043-C-T.
Other names: c.119G>A, p.Arg40Gln (NM_001281463.1); short protein forms R40Q, R62Q.
Identifiers: ClinVar variation 1312460 (VCV001312460.3), dbSNP rs2146606711, ClinGen allele CA413132707.

ClinVar aggregate classification (germline): Uncertain significance (1 of 4 stars; one submission).

Submission:

GeneDx
Classification: Uncertain significance. Last evaluated: 2026-08-27. Review status: criteria provided, single submitter. Criteria: GeneDx Variant Classification Process June 2021. Collection method: clinical testing. Allele origin: germline.
Comment: Not observed in large population cohorts (gnomAD); The majority of missense variants in this gene are considered pathogenic (HGMD); In silico analysis suggests that this missense variant does not alter protein structure/function; Has not been previously published as pathogenic or benign to our knowledge